The following is an entry in ClinVar:

ClinVar aggregate classification (germline): Benign (1 of 4 stars; one submission).

Allele frequency attached by ClinVar (database versions not stated): 1000 Genomes Project 30x 0.73314; 1000 Genomes Project 0.73962; gnomAD 0.75224 and 0.75395; TOPMed 0.75407; gnomAD exomes 0.78819.
gnomAD v4.1: 394,861 of 507,352 alleles (78%); highest among the groups gnomAD compares: Admixed American, 84%; 154,592 homozygotes.

Submission:

GeneDx
Classification: Benign. Last evaluated: 2018-06-14. Review status: criteria provided, single submitter. Criteria: GeneDx Variant Classification (06012015). Collection method: clinical testing. Allele origin: germline. Affected: yes.
Comment: This variant is considered likely benign or benign based on one or more of the following criteria: it is a conservative change, it occurs at a poorly conserved position in the protein, it is predicted to be benign by multiple in silico algorithms, and/or has population frequency not consistent with disease.

NM_001377.3(DYNC2H1):c.9819+126C>A

Gene: DYNC2H1 (dynein cytoplasmic 2 heavy chain 1; plus strand). Cytogenetic location: 11q22.3.
Variant type: single nucleotide variant.
Coding change: c.9819+126C>A on transcript NM_001377.3 (MANE Select); 126 bases into the intron after coding-DNA position 9819, C replaced by A.
Molecular consequence: intron variant.
Genome position (GRCh38, 1-based): chr11:103,236,665, C>A. VCF-style: chr11-103236665-C-A. GRCh37 (hg19) VCF-style: chr11-103107394-C-A.
Other names: c.9819+126C>A (NM_001080463.2).
Identifiers: ClinVar variation 667750 (VCV000667750.1), dbSNP rs646556, ClinGen allele CA13562889.